The following is an entry in ClinVar:

NM_001035.3(RYR2):c.9077C>T (p.Ala3026Val)

Gene: RYR2 (ryanodine receptor 2; plus strand). Cytogenetic location: 1q43.
Variant type: single nucleotide variant.
Coding change: c.9077C>T on transcript NM_001035.3 (MANE Select); coding-DNA position 9077, C replaced by T.
Protein change: p.Ala3026Val; replaces alanine 3026 with valine.
Molecular consequence: missense variant.
Genome position (GRCh38, 1-based): chr1:237,698,974, C>T. VCF-style: chr1-237698974-C-T. GRCh37 (hg19) VCF-style: chr1-237862274-C-T.
Other names: short protein forms A3026V.
Identifiers: ClinVar variation 4800099 (VCV004800099.1).

ClinVar aggregate classification (germline): Uncertain significance (1 of 4 stars; one submission).

Conditions:
Catecholaminergic polymorphic ventricular tachycardia 1. Also called: VENTRICULAR TACHYCARDIA, STRESS-INDUCED POLYMORPHIC 1; RYR2-Related Catecholaminergic Polymorphic Ventricular Tachycardia; VENTRICULAR TACHYCARDIA, CATECHOLAMINERGIC POLYMORPHIC, 1, WITH OR WITHOUT ATRIAL DYSFUNCTION AND/OR DILATED CARDIOMYOPATHY. Identifiers: Orphanet 3286, MedGen C1631597, MONDO:0011484, OMIM 604772.

Submission:

Labcorp Genetics (formerly Invitae), Labcorp
Classification: Uncertain significance for Catecholaminergic polymorphic ventricular tachycardia 1. Last evaluated: 2025-04-13. Review status: criteria provided, single submitter. Criteria: Invitae Variant Classification Sherloc (09022015). Collection method: clinical testing. Allele origin: germline.
Comment: This sequence change replaces alanine, which is neutral and non-polar, with valine, which is neutral and non-polar, at codon 3026 of the RYR2 protein (p.Ala3026Val). This variant is not present in population databases (gnomAD no frequency). This variant has not been reported in the literature in individuals affected with RYR2-related conditions. Invitae Evidence Modeling of protein sequence and biophysical properties (such as structural, functional, and spatial information, amino acid conservation, physicochemical variation, residue mobility, and thermodynamic stability) indicates that this missense variant is not expected to disrupt RYR2 protein function with a negative predictive value of 95%. In summary, the available evidence is currently insufficient to determine the role of this variant in disease. Therefore, it has been classified as a Variant of Uncertain Significance.